The following is an entry in ClinVar:

NM_001127208.3(TET2):c.3754_3766dup (p.Gly1256fs)

Genes: TET2 (tet methylcytosine dioxygenase 2; plus strand), TET2-AS1 (TET2 antisense RNA 1; minus strand). Cytogenetic location: 4q24.
Variant type: Duplication.
Coding change: c.3754_3766dup on transcript NM_001127208.3 (MANE Select); coding-DNA positions 3754 to 3766, 13 bases duplicated (CTGAGGAAATACG).
Protein change: p.Gly1256fs; shifts the reading frame from glycine 1256.
Molecular consequence: frameshift variant.
Genome position (GRCh38, 1-based): chr4:105,243,729-105,243,741, CTGAGGAAATACG duplicated; duplicating any 13 consecutive bases within chr4:105,243,726-105,243,741 gives the same sequence; the c. name uses the placement nearest the transcript's 3' end. VCF-style (leftmost placement, unchanged base first): chr4-105243725-G-GACGCTGAGGAAAT. GRCh37 (hg19) VCF-style: chr4-106164882-G-GACGCTGAGGAAAT.
Other names: short protein forms G1256fs.
Identifiers: ClinVar variation 4726690 (VCV004726690.1).

ClinVar aggregate classification (germline): Pathogenic (1 of 4 stars; one submission).

Submission:

Labcorp Genetics (formerly Invitae), Labcorp
Classification: Pathogenic. Last evaluated: 2025-09-05. Review status: criteria provided, single submitter. Criteria: Invitae Variant Classification Sherloc (09022015). Collection method: clinical testing. Allele origin: germline.
Comment: This sequence change creates a premature translational stop signal (p.Gly1256Alafs*16) in the TET2 gene. It is expected to result in an absent or disrupted protein product. Loss-of-function variants in TET2 are known to be pathogenic (PMID: 36066697). This variant is not present in population databases (gnomAD no frequency). This variant has not been reported in the literature in individuals affected with TET2-related conditions. For these reasons, this variant has been classified as Pathogenic.

Literature cited by the submitters: PubMed 36066697.